The following is an entry in ClinVar:

NM_003172.4(SURF1):c.879C>T (p.Phe293=)

Gene: SURF1 (SURF1 cytochrome c oxidase assembly factor; minus strand). Cytogenetic location: 9q34.2.
Variant type: single nucleotide variant.
Coding change: c.879C>T on transcript NM_003172.4 (MANE Select); coding-DNA position 879, C replaced by T.
Protein change: p.Phe293=; no amino-acid change (phenylalanine 293 retained).
Molecular consequence: synonymous variant.
Genome position (GRCh38, 1-based): chr9:133,351,937, G>A on the plus strand (C>T on the coding strand, the complement: SURF1 is on the minus strand). VCF-style: chr9-133351937-G-A. GRCh37 (hg19) VCF-style: chr9-136218792-G-A.
Other names: c.552C>T, p.Phe184= (NM_001280787.1).
Identifiers: ClinVar variation 456667 (VCV000456667.27), dbSNP rs145088629, ClinGen allele CA200831892.
Genomic context (GRCh38, chr9:133,351,937, plus strand): 5'-GCATTATCCAGGGACAGGGCTTCAGCAGCTGATCTGTCACACACCAGGTGTCCCACGTAG[G>A]AATTTCTTAAACCACAGGTAGGATGTAGCTGCAGAGAGTCCATACCTAGGGGTTGAAAGC-3'
Protein context (NP_003163.1, residues 283-300): AATSYLWFKK[Phe293=]LRGTPGV

ClinVar aggregate classification (germline): Likely benign. Review status: criteria provided, multiple submitters, no conflicts (2 of 4 stars). 4 submissions from 4 submitters: Likely benign (3). 1 of the submissions does not count toward it. Last evaluated 2026-01-09.

Conditions:
SURF1-related disorder. Also called: SURF1-related condition.
Leigh syndrome (NULS). Also called: Leigh's syndrome; LEIGH SYNDROME, NUCLEAR; Leigh Disease; Subacute necrotizing encephalopathy; Necrotizing encephalopathy infantile subacute of Leigh; Leigh's necrotizing encephalopathy. Identifiers: Orphanet 506, MedGen C2931891, MONDO:0009723, OMIM 256000.

Allele frequency attached by ClinVar (database versions not stated): ExAC 0.00006; gnomAD exomes 0.00006; gnomAD 0.00008; TOPMed 0.00008; ESP Exome Variant Server 0.00015.

Submissions (4):

Labcorp Genetics (formerly Invitae), Labcorp
Classification: Likely benign for Leigh syndrome. Last evaluated: 2026-01-09. Review status: criteria provided, single submitter. Criteria: Invitae Variant Classification Sherloc (09022015). Collection method: clinical testing. Allele origin: germline.

CeGaT Center for Human Genetics Tuebingen
Classification: Likely benign. Last evaluated: 2024-12-01. Review status: criteria provided, single submitter. Criteria: CeGaT Center For Human Genetics Tuebingen Variant Classification Criteria Version 2. Collection method: clinical testing. Allele origin: germline. Affected: yes. Observed: 2 variant alleles.
Comment: SURF1: BP4, BP7

GeneDx
Classification: Likely benign. Last evaluated: 2019-10-17. Review status: criteria provided, single submitter. Criteria: GeneDx Variant Classification Process June 2021. Collection method: clinical testing. Allele origin: germline. Affected: yes.

PreventionGenetics, part of Exact Sciences
Classification: Likely benign for SURF1-related condition. Last evaluated: 2019-05-08. Review status: no assertion criteria provided. Collection method: clinical testing. Allele origin: germline. Not counted in ClinVar's aggregate classification.
Comment: This variant is classified as likely benign based on ACMG/AMP sequence variant interpretation guidelines (Richards et al. 2015 PMID: 25741868, with internal and published modifications).